The following is an entry in ClinVar:

ClinVar aggregate classification (germline): Uncertain significance (1 of 4 stars; one submission).

Conditions:
Fanconi anemia (FA). Also called: Fanconi's anemia. Identifiers: Orphanet 84, MedGen C0015625, MeSH D005199, MONDO:0019391.

gnomAD v4.1: 13 of 1,614,260 alleles (0.00081%); highest among the groups gnomAD compares: Non-Finnish European, 0.001%; no homozygotes.

Submission:

Labcorp Genetics (formerly Invitae), Labcorp
Classification: Uncertain significance for Fanconi anemia. Last evaluated: 2025-05-09. Review status: criteria provided, single submitter. Criteria: Invitae Variant Classification Sherloc (09022015). Collection method: clinical testing. Allele origin: germline.
Comment: This sequence change replaces threonine, which is neutral and polar, with arginine, which is basic and polar, at codon 1397 of the FANCA protein (p.Thr1397Arg). This variant is present in population databases (no rsID available, gnomAD 0.0009%). This variant has not been reported in the literature in individuals affected with FANCA-related conditions. Invitae Evidence Modeling of protein sequence and biophysical properties (such as structural, functional, and spatial information, amino acid conservation, physicochemical variation, residue mobility, and thermodynamic stability) indicates that this missense variant is not expected to disrupt FANCA protein function with a negative predictive value of 95%. In summary, the available evidence is currently insufficient to determine the role of this variant in disease. Therefore, it has been classified as a Variant of Uncertain Significance.

NM_000135.4(FANCA):c.4190C>G (p.Thr1397Arg)

Genes: FANCA (FA complementation group A; minus strand), ZNF276 (zinc finger protein 276; plus strand). Cytogenetic location: 16q24.3.
Variant type: single nucleotide variant.
Coding change: c.4190C>G on transcript NM_000135.4 (MANE Select); coding-DNA position 4190, C replaced by G.
Protein change: p.Thr1397Arg; replaces threonine 1397 with arginine.
Molecular consequence: missense variant. On other transcripts: 3 prime UTR variant (2), non-coding transcript variant (4).
Genome position (GRCh38, 1-based): chr16:89,738,952, G>C on the plus strand (C>G on the coding strand, the complement: FANCA is on the minus strand). VCF-style: chr16-89738952-G-C. GRCh37 (hg19) VCF-style: chr16-89805360-G-C.
Other names: c.4194C>G, p.Asn1398Lys (NM_001286167.3); c.*706G>C (NM_001113525.2, NM_152287.4); short protein forms N1398K, T1397R.
Identifiers: ClinVar variation 4739169 (VCV004739169.1).
Genomic context (GRCh38, chr16:89,738,952, plus strand): 5'-TGTGAGAAGCTCTTTTTCGGGCACCGAGGTATTAACTGCAGCAGAAAAAGACGAGCTTTT[G>C]TTATCAGTTCCACGGGGTTGCCCTAGAGAGAAAACAGGCAAACTCACAGGTTAGAAGACA-3'
Protein context (NP_000126.2, residues 1387-1407): KGQGNPVELI[Thr1397Arg]KARLFLLQLI